The following is an entry in ClinVar:

ClinVar aggregate classification (germline): Pathogenic (1 of 4 stars; one submission).

Submission:

GeneDx
Classification: Pathogenic. Last evaluated: 2022-08-29. Review status: criteria provided, single submitter. Criteria: GeneDx Variant Classification Process June 2021. Collection method: clinical testing. Allele origin: germline. Affected: yes.
Comment: Frameshift variant predicted to result in protein truncation or nonsense mediated decay in a gene for which loss of function is a known mechanism of disease; Not observed at significant frequency in large population cohorts (gnomAD); Has not been previously published as pathogenic or benign to our knowledge

NM_006940.6(SOX5):c.359del (p.Ser120fs)

Gene: SOX5 (SRY-box transcription factor 5; minus strand). Cytogenetic location: 12p12.1.
Variant type: Deletion.
Coding change: c.359del on transcript NM_006940.6 (MANE Select); coding-DNA position 359, one base deleted (G; older notation c.359delG).
Protein change: p.Ser120fs; shifts the reading frame from serine 120.
Molecular consequence: frameshift variant.
Genome position (GRCh38, 1-based): chr12:23,846,105, C deleted on the plus strand (G on the coding strand, the reverse complement: SOX5 is on the minus strand). VCF-style (leftmost placement, unchanged base first): chr12-23846104-AC-A. GRCh37 (hg19) VCF-style: chr12-23999038-AC-A.
Other names: c.320del, p.Ser107fs (NM_001261414.3, NM_152989.5); c.329del, p.Ser110fs (NM_001261415.3); c.254del, p.Ser85fs (NM_001330785.2); short protein forms S107fs, S110fs, S120fs, S85fs.
Identifiers: ClinVar variation 2442685 (VCV002442685.1), dbSNP rs2503280642, ClinGen allele CA2580085306.
Genomic context (GRCh38, chr12:23,846,104, plus strand): 5'-AGCTAAACTGCCCTTGCGCCGTTCAGGAGTTCCCAGGGCTGTACTAGACAAGGACTCGCC[AC>A]TCTGTCGCCCACCTTCTTCTGCCTTCTGAGGTGAGGTAGATGAGTTGTGTGGGGCAAATG-3'